The following is an entry in ClinVar:

ClinVar aggregate classification (germline): Uncertain significance (1 of 4 stars; one submission).

Conditions:
Werner syndrome (WRN). Identifiers: Orphanet 902, MedGen C0043119, MONDO:0010196, OMIM 277700.

Submission:

Labcorp Genetics (formerly Invitae), Labcorp
Classification: Uncertain significance for Werner syndrome. Last evaluated: 2022-09-29. Review status: criteria provided, single submitter. Criteria: Invitae Variant Classification Sherloc (09022015). Collection method: clinical testing. Allele origin: germline.
Comment: This variant is not present in population databases (gnomAD no frequency). This sequence change replaces threonine, which is neutral and polar, with serine, which is neutral and polar, at codon 325 of the WRN protein (p.Thr325Ser). This variant has not been reported in the literature in individuals affected with WRN-related conditions. Algorithms developed to predict the effect of missense changes on protein structure and function output the following: SIFT: "Not Available"; PolyPhen-2: "Benign"; Align-GVGD: "Not Available". The serine amino acid residue is found in multiple mammalian species, which suggests that this missense change does not adversely affect protein function. In summary, the available evidence is currently insufficient to determine the role of this variant in disease. Therefore, it has been classified as a Variant of Uncertain Significance.

NM_000553.6(WRN):c.974C>G (p.Thr325Ser)

Gene: WRN (WRN RecQ like helicase; plus strand). Cytogenetic location: 8p12.
Variant type: single nucleotide variant.
Coding change: c.974C>G on transcript NM_000553.6 (MANE Select); coding-DNA position 974, C replaced by G.
Protein change: p.Thr325Ser; replaces threonine 325 with serine.
Molecular consequence: missense variant.
Genome position (GRCh38, 1-based): chr8:31,081,001, C>G. VCF-style: chr8-31081001-C-G. GRCh37 (hg19) VCF-style: chr8-30938517-C-G.
Other names: short protein forms T325S.
Identifiers: ClinVar variation 1720690 (VCV001720690.5), dbSNP rs2535910182, ClinGen allele CA370920085.
Genomic context (GRCh38, chr8:31,081,001, plus strand): 5'-TTGAGACTGAACTGAGGCCCAGCAATAATTTAAACTTATTATCCTTTGAAGATTCAACTA[C>G]TGGGGGAGTACAACAGAAACAAATTAGAGAACATGAAGTTTTAATTCACGTTGAAGATGA-3'
Protein context (NP_000544.2, residues 315-335): LNLLSFEDST[Thr325Ser]GGVQQKQIRE